The following is an entry in ClinVar:

ClinVar aggregate classification (germline): Uncertain significance. Review status: criteria provided, multiple submitters, no conflicts (2 of 4 stars). 5 submissions from 5 submitters: Uncertain significance (5). Last evaluated 2025-09-15.

Conditions:
Renal cell carcinoma. Identifiers: Orphanet 217071, MedGen C0007134, MeSH D002292, MONDO:0005086, HP:0005584.
Hereditary cancer-predisposing syndrome. Also called: Neoplastic Syndromes, Hereditary; Tumor predisposition; Hereditary neoplastic syndrome; Hereditary Cancer Syndrome. Identifiers: Orphanet 140162, MedGen C0027672, MeSH D009386, MONDO:0015356.
Autosomal recessive nonsyndromic hearing loss 97. Also called: Deafness, autosomal recessive 97. Identifiers: Orphanet 90636, MedGen C4084709, MONDO:0014739, OMIM 616705.

Allele frequency attached by ClinVar (database versions not stated): gnomAD 0.00001; TOPMed 0.00001.

Submissions (5):

Labcorp Genetics (formerly Invitae), Labcorp
Classification: Uncertain significance for Renal cell carcinoma. Last evaluated: 2025-09-15. Review status: criteria provided, single submitter. Criteria: Invitae Variant Classification Sherloc (09022015). Collection method: clinical testing. Allele origin: germline.
Comment: This sequence change replaces alanine, which is neutral and non-polar, with threonine, which is neutral and polar, at codon 1214 of the MET protein (p.Ala1214Thr). This variant is not present in population databases (gnomAD no frequency). This variant has not been reported in the literature in individuals affected with MET-related conditions. ClinVar contains an entry for this variant (Variation ID: 1350721). Invitae Evidence Modeling of protein sequence and biophysical properties (such as structural, functional, and spatial information, amino acid conservation, physicochemical variation, residue mobility, and thermodynamic stability) indicates that this missense variant is expected to disrupt MET protein function with a positive predictive value of 80%. In summary, the available evidence is currently insufficient to determine the role of this variant in disease. Therefore, it has been classified as a Variant of Uncertain Significance.

Ambry Genetics
Classification: Uncertain significance for Hereditary cancer-predisposing syndrome. Last evaluated: 2024-10-14. Review status: criteria provided, single submitter. Criteria: Ambry Variant Classification Scheme 2023. Collection method: clinical testing. Allele origin: germline.
Comment: The p.A1214T variant (also known as c.3640G>A), located in coding exon 17 of the MET gene, results from a G to A substitution at nucleotide position 3640. The alanine at codon 1214 is replaced by threonine, an amino acid with similar properties. This amino acid position is highly conserved in available vertebrate species. In addition, the in silico prediction for this alteration is inconclusive. Based on the available evidence, the clinical significance of this variant remains unclear.

Quest Diagnostics Nichols Institute San Juan Capistrano
Classification: Uncertain significance. Last evaluated: 2024-07-12. Review status: criteria provided, single submitter. Criteria: Quest Diagnostics criteria. Collection method: clinical testing. Allele origin: unknown.
Comment: The MET c.3640G>A (p.Ala1214Thr) variant has not been reported in individuals with MET-related conditions in the published literature. The frequency of this variant in the general population, 0.0000066 (1/152160 chromosomes (Genome Aggregation Database)), is uninformative in the assessment of its pathogenicity. Analysis of this variant using bioinformatics tools for the prediction of the effect of amino acid changes on protein structure and function yielded conflicting predictions that this variant is deleterious or benign. Based on the available information, we are unable to determine the clinical significance of this variant.

GeneDx
Classification: Uncertain significance. Last evaluated: 2024-01-24. Review status: criteria provided, single submitter. Criteria: GeneDx Variant Classification Process June 2021. Collection method: clinical testing. Allele origin: germline. Affected: yes.
Comment: Not observed at significant frequency in large population cohorts (gnomAD); In silico analysis supports that this missense variant has a deleterious effect on protein structure/function; Has not been previously published as pathogenic or benign to our knowledge

Baylor Genetics
Classification: Uncertain significance for Autosomal recessive nonsyndromic hearing loss 97. Last evaluated: 2023-06-09. Review status: criteria provided, single submitter. Criteria: ACMG Guidelines, 2015. Collection method: clinical testing. Allele origin: unknown.

NM_000245.4(MET):c.3586G>A (p.Ala1196Thr)

Gene: MET (MET proto-oncogene, receptor tyrosine kinase; plus strand). Cytogenetic location: 7q31.2.
Variant type: single nucleotide variant.
Coding change: c.3586G>A on transcript NM_000245.4 (MANE Select); coding-DNA position 3586, G replaced by A.
Protein change: p.Ala1196Thr; replaces alanine 1196 with threonine.
Molecular consequence: missense variant.
Genome position (GRCh38, 1-based): chr7:116,782,051, G>A. VCF-style: chr7-116782051-G-A. GRCh37 (hg19) VCF-style: chr7-116422105-G-A.
Other names: c.3640G>A, p.Ala1214Thr (NM_001127500.3); c.2296G>A, p.Ala766Thr (NM_001324402.2); c.3640G>A (NM_001127500.2); short protein forms A1214T, A766T, A1196T.
Identifiers: ClinVar variation 1350721 (VCV001350721.12), dbSNP rs970206545, ClinGen allele CA164910457.